The following is an entry in ClinVar:

NM_007055.4(POLR3A):c.2988+4A>G

Gene: POLR3A (RNA polymerase III subunit A; minus strand). Cytogenetic location: 10q22.3.
Variant type: single nucleotide variant.
Coding change: c.2988+4A>G on transcript NM_007055.4 (MANE Select); 4 bases into the intron after coding-DNA position 2988, A replaced by G.
Molecular consequence: intron variant.
Genome position (GRCh38, 1-based): chr10:77,986,069, T>C on the plus strand (A>G on the coding strand, the complement: POLR3A is on the minus strand). VCF-style: chr10-77986069-T-C. GRCh37 (hg19) VCF-style: chr10-79745827-T-C.
Identifiers: ClinVar variation 1988847 (VCV001988847.1), dbSNP rs1847195350, ClinGen allele CA930215033.

ClinVar aggregate classification (germline): Uncertain significance (1 of 4 stars; one submission).

Allele frequency attached by ClinVar (database versions not stated): gnomAD exomes below 0.00001; gnomAD 0.00001; TOPMed 0.00001.
gnomAD v4.1: 2 of 1,586,890 alleles (0.00013%); highest among the groups gnomAD compares: Admixed American, 0.0017%; no homozygotes.

Submission:

Labcorp Genetics (formerly Invitae), Labcorp
Classification: Uncertain significance. Last evaluated: 2022-07-06. Review status: criteria provided, single submitter. Criteria: Invitae Variant Classification Sherloc (09022015). Collection method: clinical testing. Allele origin: germline.
Comment: This sequence change falls in intron 22 of the POLR3A gene. It does not directly change the encoded amino acid sequence of the POLR3A protein. It affects a nucleotide within the consensus splice site. This variant is not present in population databases (gnomAD no frequency). This variant has not been reported in the literature in individuals affected with POLR3A-related conditions. Variants that disrupt the consensus splice site are a relatively common cause of aberrant splicing (PMID: 17576681, 9536098). Algorithms developed to predict the effect of sequence changes on RNA splicing suggest that this variant is not likely to affect RNA splicing. In summary, the available evidence is currently insufficient to determine the role of this variant in disease. Therefore, it has been classified as a Variant of Uncertain Significance.

Literature cited by the submitters: PubMed 17576681; PubMed 9536098.